The following is an entry in ClinVar:

NM_001401501.2(MUC16):c.10476C>T (p.Ile3492=)

Gene: MUC16 (mucin 16, cell surface associated; minus strand). Cytogenetic location: 19p13.2.
Variant type: single nucleotide variant.
Coding change: c.10476C>T on transcript NM_001401501.2 (MANE Select); coding-DNA position 10476, C replaced by T.
Protein change: p.Ile3492=; no amino-acid change (isoleucine 3492 retained).
Molecular consequence: synonymous variant.
Genome position (GRCh38, 1-based): chr19:8,966,414, G>A on the plus strand (C>T on the coding strand, the complement: MUC16 is on the minus strand). VCF-style: chr19-8966414-G-A. GRCh37 (hg19) VCF-style: chr19-9077090-G-A.
Other names: c.10902C>T, p.Ile3634= (NM_001414686.1); c.10356C>T, p.Ile3452= (NM_001414687.1, NM_024690.2).
Identifiers: ClinVar variation 3060812 (VCV003060812.2), dbSNP rs748833016, ClinGen allele CA9171482.

ClinVar aggregate classification (germline): Likely benign (0 of 4 stars; one submission).

Conditions:
MUC16-related disorder. Also called: MUC16-related condition.

Allele frequency attached by ClinVar (database versions not stated): ExAC 0.00001; gnomAD exomes 0.00001; gnomAD 0.00011; TOPMed 0.00011.

Submission:

PreventionGenetics, part of Exact Sciences
Classification: Likely benign for MUC16-related condition. Last evaluated: 2021-05-17. Review status: no assertion criteria provided. Collection method: clinical testing. Allele origin: germline.
Comment: This variant is classified as likely benign based on ACMG/AMP sequence variant interpretation guidelines (Richards et al. 2015 PMID: 25741868, with internal and published modifications).